The following is an entry in ClinVar:

ClinVar aggregate classification (germline): Likely benign (1 of 4 stars; one submission).

gnomAD v4.1: 1 of 1,613,882 alleles (0.000062%); highest among the groups gnomAD compares: African/African-American, 0.0013%; no homozygotes.

Submission:

Women's Health and Genetics/Laboratory Corporation of America, LabCorp
Classification: Likely benign. Last evaluated: 2026-04-22. Review status: criteria provided, single submitter. Criteria: LabCorp Variant Classification Summary - May 2015. Collection method: clinical testing. Allele origin: germline.
Comment: Variant summary: COL1A2 c.2836-20C>T alters a nucleotide located at a position not widely known to affect splicing. Consensus agreement among computation tools predict no significant impact on normal splicing. However, these predictions have yet to be confirmed by functional studies. The variant was absent in 250568 control chromosomes. The available data on variant occurrences in the general population are insufficient to allow any conclusion about variant significance. To our knowledge, no occurrence of c.2836-20C>T in individuals affected with COL1A2-related conditions and no experimental evidence demonstrating its impact on protein function have been reported. No submitters have cited clinical-significance assessments for this variant to ClinVar. Based on the evidence outlined above, the variant was classified as likely benign.

NM_000089.4(COL1A2):c.2836-20C>T

Gene: COL1A2 (collagen type I alpha 2 chain; plus strand). Cytogenetic location: 7q21.3.
Variant type: single nucleotide variant.
Coding change: c.2836-20C>T on transcript NM_000089.4 (MANE Select); 20 bases into the intron before coding-DNA position 2836, C replaced by T.
Molecular consequence: intron variant.
Genome position (GRCh38, 1-based): chr7:94,425,730, C>T. VCF-style: chr7-94425730-C-T. GRCh37 (hg19) VCF-style: chr7-94055042-C-T.
Identifiers: ClinVar variation 4849134 (VCV004849134.1).
Genomic context (GRCh38, chr7:94,425,730, plus strand): 5'-ACACTTTTCATCTTTCTCTAATTCAAAAGTGATTAAAATGCAACCCAGATTGATGCTAAG[C>T]TTCATTTTGCCTTTGGTAGGGAGAGCGCGGTTACCCTGGCAATATTGGTCCCGTTGGTGC-3'